The following is an entry in ClinVar:

NM_001267550.2(TTN):c.72441_72442del (p.Leu24148fs)

Genes: TTN (titin; minus strand), TTN-AS1 (TTN antisense RNA 1; plus strand). Cytogenetic location: 2q31.2.
Variant type: Deletion.
Coding change: c.72441_72442del on transcript NM_001267550.2 (MANE Select); coding-DNA positions 72441 to 72442, 2 bases deleted (AC; older notation c.72441_72442delAC).
Protein change: p.Leu24148fs; shifts the reading frame from leucine 24148.
Molecular consequence: frameshift variant.
Genome position (GRCh38, 1-based): chr2:178,573,690-178,573,691, GT deleted on the plus strand (AC on the coding strand, the reverse complement: TTN is on the minus strand); deleting any 2 consecutive bases within chr2:178,573,690-178,573,692 gives the same sequence; the c. name uses the placement nearest the transcript's 3' end. VCF-style (leftmost placement, unchanged base first): chr2-178573689-AGT-A. GRCh37 (hg19) VCF-style: chr2-179438416-AGT-A.
Other names: c.67518_67519del, p.Leu22507fs (NM_001256850.1); c.45246_45247del, p.Leu15083fs (NM_003319.4); c.64737_64738del, p.Leu21580fs (NM_133378.4); c.45621_45622del, p.Leu15208fs (NM_133432.3); c.45822_45823del, p.Leu15275fs (NM_133437.4); short protein forms L15083fs, L15208fs, L21580fs, L24148fs, L15275fs, L22507fs.
Identifiers: ClinVar variation 2030854 (VCV002030854.4), dbSNP rs2468595822, ClinGen allele CA2580064837.

ClinVar aggregate classification (germline): Likely pathogenic (1 of 4 stars; one submission).

Conditions:
Dilated cardiomyopathy 1G (CMD1G). Identifiers: Orphanet 154, MedGen C1858763, MONDO:0011400, OMIM 604145.
Autosomal recessive limb-girdle muscular dystrophy type 2J (LGMDR10). Also called: Limb-girdle muscular dystrophy, type 2J; MUSCULAR DYSTROPHY, LIMB-GIRDLE, AUTOSOMAL RECESSIVE 10. Identifiers: Orphanet 140922, MedGen C1837342, MONDO:0012127, OMIM 608807.

Submission:

Labcorp Genetics (formerly Invitae), Labcorp
Classification: Likely pathogenic for Dilated cardiomyopathy 1G; Autosomal recessive limb-girdle muscular dystrophy type 2J. Last evaluated: 2022-09-16. Review status: criteria provided, single submitter. Criteria: Invitae Variant Classification Sherloc (09022015). Collection method: clinical testing. Allele origin: germline.
Comment: This sequence change creates a premature translational stop signal (p.Leu24148Glyfs*2) in the TTN gene. While this is not anticipated to result in nonsense mediated decay, it is expected to create a truncated TTN protein. This variant is not present in population databases (gnomAD no frequency). This variant has not been reported in the literature in individuals affected with TTN-related conditions. This variant is located in the A band of TTN (PMID: 25589632). Truncating variants in this region are significantly overrepresented in patients affected with dilated cardiomyopathy (PMID: 25589632). Truncating variants in this region have also been reported in individuals affected with autosomal recessive centronuclear myopathy (PMID: 23975875). In summary, the currently available evidence indicates that the variant is pathogenic, but additional data are needed to prove that conclusively. Therefore, this variant has been classified as Likely Pathogenic.

Literature cited by the submitters: PubMed 25589632; PubMed 23975875.